The following is an entry in ClinVar:

ClinVar aggregate classification (germline): Conflicting classifications of pathogenicity. Review status: criteria provided, conflicting classifications (1 of 4 stars). 9 submissions from 7 submitters: Uncertain significance (1); Likely benign (7). 1 of the submissions does not count toward it. Last evaluated 2026-03-03.

Conditions:
SCN9A-related disorder. Also called: SCN9A-related disorders; SCN9A-related condition.
Inborn genetic diseases. Identifiers: MedGen C0950123, MeSH D030342.
Paroxysmal extreme pain disorder (PEXPD). Also called: SCN9A Paroxysmal Extreme Pain Disorder (SCN9A-PEPD); PAIN, SUBMANDIBULAR, OCULAR, AND RECTAL, WITH FLUSHING; RECTAL PAIN, FAMILIAL. Identifiers: Orphanet 46348, MedGen C1833661, MONDO:0008179, OMIM 167400.
Neuropathy, hereditary sensory and autonomic, type 2A (HSAN2A). Also called: ACROOSTEOLYSIS, GIACCAI TYPE; ACROOSTEOLYSIS, NEUROGENIC; HSAN IIA; WNK1-Related HSAN2 (HSAN2A); MORVAN DISEASE; NEUROPATHY, CONGENITAL SENSORY. Identifiers: Orphanet 970, MedGen C2752089, MONDO:0024309, OMIM 201300.
Generalized epilepsy with febrile seizures plus, type 7 (GEFSP7). Also called: GEFS+, TYPE 7. Identifiers: Orphanet 36387, MedGen C2751778, MONDO:0013470, OMIM 613863.
Channelopathy-associated congenital insensitivity to pain, autosomal recessive. Also called: Insensitivity to pain, channelopathy-associated; ASYMBOLIA FOR PAIN; CONGENITAL ANALGESIA, AUTOSOMAL RECESSIVE. Identifiers: Orphanet 88642, Orphanet 970, MedGen C1855739, MONDO:0009459, OMIM 243000.
Primary erythromelalgia. Also called: SCN9A Erythromelalgia (SCN9A-EM); primary erythermalgia. Identifiers: Orphanet 306577, Orphanet 90026, MedGen C0014805, MONDO:0007571, OMIM 133020.

Allele frequency attached by ClinVar (database versions not stated): ESP Exome Variant Server 0.00016; TOPMed 0.00018; gnomAD 0.00019; 1000 Genomes Project 0.00040; 1000 Genomes Project 30x 0.00047.
gnomAD v4.1: 81 of 1,606,096 alleles (0.005%); highest among the groups gnomAD compares: African/African-American, 0.098%; no homozygotes.

Submissions (9):

Women's Health and Genetics/Laboratory Corporation of America, LabCorp
Classification: Likely benign. Last evaluated: 2026-03-03. Review status: criteria provided, single submitter. Criteria: LabCorp Variant Classification Summary - May 2015. Collection method: clinical testing. Allele origin: germline.

Labcorp Genetics (formerly Invitae), Labcorp
Classification: Likely benign for Neuropathy, hereditary sensory and autonomic, type 2A; Generalized epilepsy with febrile seizures plus, type 7. Last evaluated: 2026-01-09. Review status: criteria provided, single submitter. Criteria: Invitae Variant Classification Sherloc (09022015). Collection method: clinical testing. Allele origin: germline.

Blueprint Genetics
Classification: Likely benign. Last evaluated: 2024-05-30. Review status: criteria provided, single submitter. Criteria: ACMG Guidelines, 2015. Collection method: clinical testing. Allele origin: germline.

Ambry Genetics
Classification: Likely benign for Inborn genetic diseases. Last evaluated: 2019-07-11. Review status: criteria provided, single submitter. Criteria: Ambry Variant Classification Scheme 2023. Collection method: clinical testing. Allele origin: germline.

Eurofins Ntd Llc (ga)
Classification: Uncertain significance. Last evaluated: 2017-08-08. Review status: criteria provided, single submitter. Criteria: EGL Classification Definitions 2015. Collection method: clinical testing. Allele origin: germline. Observed: 1 variant allele, 1 heterozygote.

Illumina Laboratory Services, Illumina
Classification: Likely benign for Primary erythromelalgia. Last evaluated: 2017-04-28. Review status: criteria provided, single submitter. Criteria: ICSL Variant Classification Criteria 13 December 2019. Collection method: clinical testing. Allele origin: germline.
Comment: This variant was observed as part of a predisposition screen in an ostensibly healthy population. A literature search was performed for the gene, cDNA change, and amino acid change (where applicable). No publications were found based on this search. Allele frequency data from public databases allowed determination this variant is unlikely to cause disease. Therefore, this variant is classified as likely benign.

Illumina Laboratory Services, Illumina
Classification: Likely benign for Channelopathy-associated congenital insensitivity to pain, autosomal recessive. Last evaluated: 2017-04-28. Review status: criteria provided, single submitter. Criteria: ICSL Variant Classification Criteria 13 December 2019. Collection method: clinical testing. Allele origin: germline.
Comment: the same text as in the submission from Illumina Laboratory Services, Illumina above.

Illumina Laboratory Services, Illumina
Classification: Likely benign for Paroxysmal extreme pain disorder. Last evaluated: 2017-04-28. Review status: criteria provided, single submitter. Criteria: ICSL Variant Classification Criteria 13 December 2019. Collection method: clinical testing. Allele origin: germline.
Comment: the same text as in the submission from Illumina Laboratory Services, Illumina above.

PreventionGenetics, part of Exact Sciences
Classification: Likely benign for SCN9A-related condition. Last evaluated: 2019-09-11. Review status: no assertion criteria provided. Collection method: clinical testing. Allele origin: germline. Not counted in ClinVar's aggregate classification.
Comment: This variant is classified as likely benign based on ACMG/AMP sequence variant interpretation guidelines (Richards et al. 2015 PMID: 25741868, with internal and published modifications).

NM_001365536.1(SCN9A):c.4495C>A (p.Arg1499=)

Genes: SCN1A-AS1 (SCN1A and SCN9A antisense RNA 1; plus strand), SCN9A (sodium voltage-gated channel alpha subunit 9; minus strand). Cytogenetic location: 2q24.3.
Variant type: single nucleotide variant.
Coding change: c.4495C>A on transcript NM_001365536.1 (MANE Select); coding-DNA position 4495, C replaced by A.
Protein change: p.Arg1499=; no amino-acid change (arginine 1499 retained).
Molecular consequence: synonymous variant.
Genome position (GRCh38, 1-based): chr2:166,204,368, G>T on the plus strand (C>A on the coding strand, the complement: SCN9A is on the minus strand). VCF-style: chr2-166204368-G-T. GRCh37 (hg19) VCF-style: chr2-167060878-G-T.
Other names: c.4462C>A, p.Arg1488= (NM_002977.4).
Identifiers: ClinVar variation 331963 (VCV000331963.24), dbSNP rs187558439, ClinGen allele CA1943856.